The following is an entry in ClinVar:

NM_005559.4(LAMA1):c.1418G>T (p.Cys473Phe)

Gene: LAMA1 (laminin subunit alpha 1; minus strand). Cytogenetic location: 18p11.31.
Variant type: single nucleotide variant.
Coding change: c.1418G>T on transcript NM_005559.4 (MANE Select); coding-DNA position 1418, G replaced by T.
Protein change: p.Cys473Phe; replaces cysteine 473 with phenylalanine.
Molecular consequence: missense variant.
Genome position (GRCh38, 1-based): chr18:7,040,080, C>A on the plus strand (G>T on the coding strand, the complement: LAMA1 is on the minus strand). VCF-style: chr18-7040080-C-A. GRCh37 (hg19) VCF-style: chr18-7040079-C-A.
Other names: short protein forms C473F.
Identifiers: ClinVar variation 1447172 (VCV001447172.8), dbSNP rs773625934, ClinGen allele CA8883005.

ClinVar aggregate classification (germline): Uncertain significance (1 of 4 stars; one submission).

Allele frequency attached by ClinVar (database versions not stated): gnomAD exomes below 0.00001; ExAC 0.00001.
gnomAD v4.1: 4 of 1,614,064 alleles (0.00025%); highest among the groups gnomAD compares: Non-Finnish European, 0.00034%; no homozygotes.

Submission:

Labcorp Genetics (formerly Invitae), Labcorp
Classification: Uncertain significance. Last evaluated: 2021-12-02. Review status: criteria provided, single submitter. Criteria: Invitae Variant Classification Sherloc (09022015). Collection method: clinical testing. Allele origin: germline.
Comment: In summary, the available evidence is currently insufficient to determine the role of this variant in disease. Therefore, it has been classified as a Variant of Uncertain Significance. Algorithms developed to predict the effect of missense changes on protein structure and function (SIFT, PolyPhen-2, Align-GVGD) all suggest that this variant is likely to be disruptive. This variant has not been reported in the literature in individuals affected with LAMA1-related conditions. This variant is present in population databases (rs773625934, gnomAD 0.0009%). This sequence change replaces cysteine, which is neutral and slightly polar, with phenylalanine, which is neutral and non-polar, at codon 473 of the LAMA1 protein (p.Cys473Phe).